The following is an entry in ClinVar:

NM_004820.5(CYP7B1):c.1177G>A (p.Val393Ile)

Gene: CYP7B1 (cytochrome P450 family 7 subfamily B member 1; minus strand). Cytogenetic location: 8q12.3.
Variant type: single nucleotide variant.
Coding change: c.1177G>A on transcript NM_004820.5 (MANE Select); coding-DNA position 1177, G replaced by A.
Protein change: p.Val393Ile; replaces valine 393 with isoleucine.
Molecular consequence: missense variant.
Genome position (GRCh38, 1-based): chr8:64,604,738, C>T on the plus strand (G>A on the coding strand, the complement: CYP7B1 is on the minus strand). VCF-style: chr8-64604738-C-T. GRCh37 (hg19) VCF-style: chr8-65517295-C-T.
Other names: c.1177G>A, p.Val393Ile (NM_001324112.2); short protein forms V393I.
Identifiers: ClinVar variation 4998742 (VCV004998742.1).

ClinVar aggregate classification (germline): Uncertain significance (1 of 4 stars; one submission).

Conditions:
CYP7B1-related disorder. Also called: CYP7B1-related condition.

Submission:

PreventionGenetics, part of Exact Sciences
Classification: Uncertain significance for CYP7B1-related condition. Last evaluated: 2025-01-02. Review status: criteria provided, single submitter. Criteria: ACMG Guidelines, 2015. Collection method: clinical testing. Allele origin: germline.
Comment: The CYP7B1 c.1177G>A variant is predicted to result in the amino acid substitution p.Val393Ile. To our knowledge, this variant has not been reported in the literature or in a large population database (gnomAD), indicating this variant is rare. At this time, the clinical significance of this variant is uncertain due to the absence of conclusive functional and genetic evidence.